The following is an entry in ClinVar:

NM_001371928.1(AHDC1):c.584A>G (p.His195Arg)

Gene: AHDC1 (AT-hook DNA binding motif containing 1; minus strand). Cytogenetic location: 1p36.11.
Variant type: single nucleotide variant.
Coding change: c.584A>G on transcript NM_001371928.1 (MANE Select); coding-DNA position 584, A replaced by G.
Protein change: p.His195Arg; replaces histidine 195 with arginine.
Molecular consequence: missense variant.
Genome position (GRCh38, 1-based): chr1:27,551,532, T>C on the plus strand (A>G on the coding strand, the complement: AHDC1 is on the minus strand). VCF-style: chr1-27551532-T-C. GRCh37 (hg19) VCF-style: chr1-27878043-T-C.
Other names: c.584A>G, p.His195Arg (NM_001029882.3); short protein forms H195R.
Identifiers: ClinVar variation 2916723 (VCV002916723.3), dbSNP rs2019563251, ClinGen allele CA339236762.

ClinVar aggregate classification (germline): Uncertain significance (1 of 4 stars; one submission).

Allele frequency attached by ClinVar (database versions not stated): gnomAD exomes below 0.00001.
gnomAD v4.1: 3 of 1,605,516 alleles (0.00019%); highest among the groups gnomAD compares: Non-Finnish European, 0.00026%; no homozygotes.

Submission:

Labcorp Genetics (formerly Invitae), Labcorp
Classification: Uncertain significance. Last evaluated: 2023-01-14. Review status: criteria provided, single submitter. Criteria: Invitae Variant Classification Sherloc (09022015). Collection method: clinical testing. Allele origin: germline.
Comment: In summary, the available evidence is currently insufficient to determine the role of this variant in disease. Therefore, it has been classified as a Variant of Uncertain Significance. Algorithms developed to predict the effect of missense changes on protein structure and function output the following: SIFT: "Tolerated"; PolyPhen-2: "Benign"; Align-GVGD: "Class C0". The arginine amino acid residue is found in multiple mammalian species, which suggests that this missense change does not adversely affect protein function. This variant has not been reported in the literature in individuals affected with AHDC1-related conditions. This variant is not present in population databases (gnomAD no frequency). This sequence change replaces histidine, which is basic and polar, with arginine, which is basic and polar, at codon 195 of the AHDC1 protein (p.His195Arg).